The following is an entry in ClinVar:

ClinVar aggregate classification (germline): Uncertain significance (1 of 4 stars; one submission).

gnomAD v4.1: 10 of 1,604,834 alleles (0.00062%); highest among the groups gnomAD compares: Non-Finnish European, 0.00085%; no homozygotes.

Submission:

GeneDx
Classification: Uncertain significance. Last evaluated: 2024-02-22. Review status: criteria provided, single submitter. Criteria: GeneDx Variant Classification Process June 2021. Collection method: clinical testing. Allele origin: germline. Affected: yes.
Comment: Not observed at significant frequency in large population cohorts (gnomAD); In silico analysis supports that this missense variant does not alter protein structure/function; Has not been previously published as pathogenic or benign to our knowledge

NM_025074.7(FRAS1):c.2678C>G (p.Thr893Ser)

Gene: FRAS1 (Fraser extracellular matrix complex subunit 1; plus strand). Cytogenetic location: 4q21.21.
Variant type: single nucleotide variant.
Coding change: c.2678C>G on transcript NM_025074.7 (MANE Select); coding-DNA position 2678, C replaced by G.
Protein change: p.Thr893Ser; replaces threonine 893 with serine.
Molecular consequence: missense variant.
Genome position (GRCh38, 1-based): chr4:78,364,010, C>G. VCF-style: chr4-78364010-C-G. GRCh37 (hg19) VCF-style: chr4-79285164-C-G.
Other names: c.2678C>G, p.Thr893Ser (NM_001166133.2); short protein forms T893S.
Identifiers: ClinVar variation 3369409 (VCV003369409.1).
Genomic context (GRCh38, chr4:78,364,010, plus strand): 5'-TCTCCTGCTCCTCATGTGACACCAACCTCGTGCTGTCCCACACTGGCACCTGCAGCACCA[C>G]CTGCTTCCCTGGGCACTATCTTGATGACAATCATGTTTGCCAGCGTAGGTTTTTCCAATG-3'
Protein context (NP_079350.5, residues 883-903): VLSHTGTCST[Thr893Ser]CFPGHYLDDN